The following is an entry in ClinVar:

NM_006306.4(SMC1A):c.3305A>G (p.Asn1102Ser)

Gene: SMC1A (structural maintenance of chromosomes 1A; minus strand). Cytogenetic location: Xp11.22.
Variant type: single nucleotide variant.
Coding change: c.3305A>G on transcript NM_006306.4 (MANE Select); coding-DNA position 3305, A replaced by G.
Protein change: p.Asn1102Ser; replaces asparagine 1102 with serine.
Molecular consequence: missense variant.
Genome position (GRCh38, 1-based): chrX:53,382,364, T>C on the plus strand (A>G on the coding strand, the complement: SMC1A is on the minus strand). VCF-style: chrX-53382364-T-C. GRCh37 (hg19) VCF-style: chrX-53409285-T-C.
Other names: c.3239A>G, p.Asn1080Ser (NM_001281463.1); short protein forms N1080S, N1102S.
Identifiers: ClinVar variation 1464457 (VCV001464457.8), dbSNP rs2146582465, ClinGen allele CA413243604.

ClinVar aggregate classification (germline): Uncertain significance (1 of 4 stars; one submission).

Conditions:
Congenital muscular hypertrophy-cerebral syndrome (CDLS2). Also called: SMC1A-Related Cornelia de Lange Syndrome; Cornelia de Lange syndrome 2. Identifiers: Orphanet 199, MedGen C1802395, MONDO:0010370, OMIM 300590.

Submission:

Labcorp Genetics (formerly Invitae), Labcorp
Classification: Uncertain significance for Congenital muscular hypertrophy-cerebral syndrome. Last evaluated: 2021-02-18. Review status: criteria provided, single submitter. Criteria: Invitae Variant Classification Sherloc (09022015). Collection method: clinical testing. Allele origin: germline.
Comment: In summary, the available evidence is currently insufficient to determine the role of this variant in disease. Therefore, it has been classified as a Variant of Uncertain Significance. Advanced modeling of protein sequence and biophysical properties (such as structural, functional, and spatial information, amino acid conservation, physicochemical variation, residue mobility, and thermodynamic stability) performed at Invitae indicates that this missense variant is expected to disrupt SMC1A protein function. This variant has not been reported in the literature in individuals with SMC1A-related conditions. This variant is not present in population databases (ExAC no frequency). This sequence change replaces asparagine with serine at codon 1102 of the SMC1A protein (p.Asn1102Ser). The asparagine residue is moderately conserved and there is a small physicochemical difference between asparagine and serine.